The following is an entry in ClinVar:

ClinVar aggregate classification (germline): Uncertain significance (1 of 4 stars; one submission).

Conditions:
Hereditary nonpolyposis colorectal neoplasms. Identifiers: MedGen C0009405, MeSH D003123.

Submission:

Labcorp Genetics (formerly Invitae), Labcorp
Classification: Uncertain significance for Hereditary nonpolyposis colorectal neoplasms. Last evaluated: 2021-12-11. Review status: criteria provided, single submitter. Criteria: Invitae Variant Classification Sherloc (09022015). Collection method: clinical testing. Allele origin: germline.
Comment: In summary, the available evidence is currently insufficient to determine the role of this variant in disease. Therefore, it has been classified as a Variant of Uncertain Significance. This variant disrupts the p.Glu1193 amino acid residue in MSH6. Other variant(s) that disrupt this residue have been determined to be pathogenic (PMID: 15354210, 16885385, 28531214; Invitae). This suggests that this residue is clinically significant, and that variants that disrupt this residue are likely to be disease-causing. Advanced modeling of protein sequence and biophysical properties (such as structural, functional, and spatial information, amino acid conservation, physicochemical variation, residue mobility, and thermodynamic stability) performed at Invitae indicates that this missense variant is expected to disrupt MSH6 protein function. This variant has not been reported in the literature in individuals affected with MSH6-related conditions. This variant is not present in population databases (gnomAD no frequency). This sequence change replaces glutamic acid, which is acidic and polar, with aspartic acid, which is acidic and polar, at codon 1193 of the MSH6 protein (p.Glu1193Asp).

Literature cited by the submitters: PubMed 15354210; PubMed 16885385; PubMed 28531214.

NM_000179.3(MSH6):c.3579A>C (p.Glu1193Asp)

Gene: MSH6 (mutS homolog 6; plus strand). Cytogenetic location: 2p16.3.
Variant type: single nucleotide variant.
Coding change: c.3579A>C on transcript NM_000179.3 (MANE Select); coding-DNA position 3579, A replaced by C.
Protein change: p.Glu1193Asp; replaces glutamic acid 1193 with aspartic acid.
Molecular consequence: missense variant.
Genome position (GRCh38, 1-based): chr2:47,805,640, A>C. VCF-style: chr2-47805640-A-C. GRCh37 (hg19) VCF-style: chr2-48032779-A-C.
Other names: c.3189A>C, p.Glu1063Asp (NM_001281492.2); c.2673A>C, p.Glu891Asp (NM_001281493.2, NM_001281494.2); short protein forms E1193D, E1063D, E891D.
Identifiers: ClinVar variation 1469431 (VCV001469431.6), dbSNP rs1060504759, ClinGen allele CA346760509.